The following is an entry in ClinVar:

ClinVar aggregate classification (germline): Uncertain significance. Review status: criteria provided, multiple submitters, no conflicts (2 of 4 stars). 2 submissions from 2 submitters: Uncertain significance (2). Last evaluated 2025-05-20.

Conditions:
Encephalopathy, acute, infection-induced (herpes-specific), susceptibility to, 6. Also called: Herpes simplex encephalitis, susceptibility to, 4. Identifiers: Orphanet 1930, MedGen C3553869, MONDO:0013921, OMIM 614850.

Allele frequency attached by ClinVar (database versions not stated): ExAC 0.00002; gnomAD exomes 0.00001; TOPMed 0.00001; ESP Exome Variant Server 0.00008; gnomAD 0.00002.

Submissions (2):

Ambry Genetics
Classification: Uncertain significance. Last evaluated: 2025-05-20. Review status: criteria provided, single submitter. Criteria: Ambry Variant Classification Scheme 2023. Collection method: clinical testing. Allele origin: germline.

Labcorp Genetics (formerly Invitae), Labcorp
Classification: Uncertain significance for Encephalopathy, acute, infection-induced (herpes-specific), susceptibility to, 6. Last evaluated: 2019-10-29. Review status: criteria provided, single submitter. Criteria: Invitae Variant Classification Sherloc (09022015). Collection method: clinical testing. Allele origin: germline.
Comment: This sequence change replaces alanine with valine at codon 45 of the TICAM1 protein (p.Ala45Val). The alanine residue is highly conserved and there is a small physicochemical difference between alanine and valine. This variant is present in population databases (rs375571285, ExAC 0.02%). This variant has not been reported in the literature in individuals with TICAM1-related conditions. Algorithms developed to predict the effect of missense changes on protein structure and function are either unavailable or do not agree on the potential impact of this missense change (SIFT: "Tolerated"; PolyPhen-2: "Possibly Damaging"; Align-GVGD: "Class C0"). In summary, the available evidence is currently insufficient to determine the role of this variant in disease. Therefore, it has been classified as a Variant of Uncertain Significance.

NM_182919.4(TICAM1):c.134C>T (p.Ala45Val)

Gene: TICAM1 (TIR domain containing adaptor molecule 1; minus strand). Cytogenetic location: 19p13.3.
Variant type: single nucleotide variant.
Coding change: c.134C>T on transcript NM_182919.4 (MANE Select); coding-DNA position 134, C replaced by T.
Protein change: p.Ala45Val; replaces alanine 45 with valine.
Molecular consequence: missense variant.
Genome position (GRCh38, 1-based): chr19:4,818,244, G>A on the plus strand (C>T on the coding strand, the complement: TICAM1 is on the minus strand). VCF-style: chr19-4818244-G-A. GRCh37 (hg19) VCF-style: chr19-4818256-G-A.
Other names: c.134C>T (NM_182919.2); short protein forms A45V.
Identifiers: ClinVar variation 971919 (VCV000971919.11), dbSNP rs375571285, ClinGen allele CA9105418.